The following is an entry in ClinVar:

NM_005993.5(TBCD):c.3426C>T (p.Val1142=)

Gene: TBCD (tubulin folding cofactor D). Cytogenetic location: 17q25.3.
Variant type: single nucleotide variant.
Coding change: c.3426C>T on transcript NM_005993.5 (MANE Select); coding-DNA position 3426, C replaced by T.
Protein change: p.Val1142=; no amino-acid change (valine 1142 retained).
Molecular consequence: synonymous variant.
Genome position (GRCh38, 1-based): chr17:82,939,423, C>T. VCF-style: chr17-82939423-C-T. GRCh37 (hg19) VCF-style: chr17-80897299-C-T.
Other names: p.Val1142=.
Identifiers: ClinVar variation 723803 (VCV000723803.42), dbSNP rs200304548, ClinGen allele CA8863626.

ClinVar aggregate classification (germline): Likely benign. Review status: criteria provided, multiple submitters, no conflicts (2 of 4 stars). 4 submissions from 4 submitters: Likely benign (4). Last evaluated 2026-08-01.

Allele frequency attached by ClinVar (database versions not stated): ExAC 0.00066; gnomAD exomes 0.00084 and 0.00202; gnomAD 0.00100 and 0.00103; TOPMed 0.00117; ESP Exome Variant Server 0.00139.

Submissions (4):

CeGaT Center for Human Genetics Tuebingen
Classification: Likely benign. Last evaluated: 2026-08-01. Review status: criteria provided, single submitter. Criteria: CeGaT Center For Human Genetics Tuebingen Variant Classification Criteria Version 2. Collection method: clinical testing. Allele origin: germline. Affected: yes. Observed: 4 variant alleles.
Comment: TBCD: BP4, BP7

Labcorp Genetics (formerly Invitae), Labcorp
Classification: Likely benign. Last evaluated: 2026-01-28. Review status: criteria provided, single submitter. Criteria: Invitae Variant Classification Sherloc (09022015). Collection method: clinical testing. Allele origin: germline.

Mayo Clinic Laboratories, Mayo Clinic
Classification: Likely benign. Last evaluated: 2025-12-06. Review status: criteria provided, single submitter. Criteria: ACMG Guidelines, 2015. Collection method: clinical testing. Allele origin: germline. Observed: 1 variant allele.
Comment: BS1, BP4, BP7

Blueprint Genetics
Classification: Likely benign. Last evaluated: 2024-11-11. Review status: criteria provided, single submitter. Criteria: ACMG Guidelines, 2015. Collection method: clinical testing. Allele origin: germline.